The following is an entry in ClinVar:

ClinVar aggregate classification (germline): Uncertain significance (1 of 4 stars; one submission).

Conditions:
Emery-Dreifuss muscular dystrophy 5, autosomal dominant (EDMD5). Also called: EMERY-DREIFUSS MUSCULAR DYSTROPHY 5. Identifiers: Orphanet 261, MedGen C2751805, MONDO:0013072, OMIM 612999.

Submission:

Labcorp Genetics (formerly Invitae), Labcorp
Classification: Uncertain significance for Emery-Dreifuss muscular dystrophy 5, autosomal dominant. Last evaluated: 2024-08-23. Review status: criteria provided, single submitter. Criteria: Invitae Variant Classification Sherloc (09022015). Collection method: clinical testing. Allele origin: germline.
Comment: This sequence change replaces glutamine, which is neutral and polar, with lysine, which is basic and polar, at codon 6562 of the SYNE2 protein (p.Gln6562Lys). This variant is not present in population databases (gnomAD no frequency). This variant has not been reported in the literature in individuals affected with SYNE2-related conditions. An algorithm developed to predict the effect of missense changes on protein structure and function (PolyPhen-2) suggests that this variant is likely to be disruptive. In summary, the available evidence is currently insufficient to determine the role of this variant in disease. Therefore, it has been classified as a Variant of Uncertain Significance.

NM_182914.3(SYNE2):c.19684C>A (p.Gln6562Lys)

Gene: SYNE2 (spectrin repeat containing nuclear envelope protein 2; plus strand). Cytogenetic location: 14q23.2.
Variant type: single nucleotide variant.
Coding change: c.19684C>A on transcript NM_182914.3 (MANE Select); coding-DNA position 19684, C replaced by A.
Protein change: p.Gln6562Lys; replaces glutamine 6562 with lysine.
Molecular consequence: missense variant.
Genome position (GRCh38, 1-based): chr14:64,219,234, C>A. VCF-style: chr14-64219234-C-A. GRCh37 (hg19) VCF-style: chr14-64685952-C-A.
Other names: c.19615C>A, p.Gln6539Lys (NM_015180.6); c.208C>A, p.Gln70Lys (NM_182910.2); c.586C>A, p.Gln196Lys (NM_182913.4); short protein forms Q196K, Q6539K, Q6562K, Q70K.
Identifiers: ClinVar variation 3660720 (VCV003660720.2).